The following is an entry in ClinVar:

ClinVar aggregate classification (germline): Uncertain significance (1 of 4 stars; one submission).

Allele frequency attached by ClinVar (database versions not stated): gnomAD exomes below 0.00001; TOPMed below 0.00001.
gnomAD v4.1: 1 of 1,552,688 alleles (0.000064%); highest among the groups gnomAD compares: African/African-American, 0.0014%; no homozygotes.

Submission:

Labcorp Genetics (formerly Invitae), Labcorp
Classification: Uncertain significance. Last evaluated: 2023-06-18. Review status: criteria provided, single submitter. Criteria: Invitae Variant Classification Sherloc (09022015). Collection method: clinical testing. Allele origin: germline.
Comment: This variant is not present in population databases (gnomAD no frequency). This sequence change replaces aspartic acid, which is acidic and polar, with tyrosine, which is neutral and polar, at codon 600 of the COL9A3 protein (p.Asp600Tyr). This variant has not been reported in the literature in individuals affected with COL9A3-related conditions. In summary, the available evidence is currently insufficient to determine the role of this variant in disease. Therefore, it has been classified as a Variant of Uncertain Significance. Advanced modeling of protein sequence and biophysical properties (such as structural, functional, and spatial information, amino acid conservation, physicochemical variation, residue mobility, and thermodynamic stability) performed at Invitae indicates that this missense variant is not expected to disrupt COL9A3 protein function. ClinVar contains an entry for this variant (Variation ID: 1442484).

NM_001853.4(COL9A3):c.1798G>T (p.Asp600Tyr)

Gene: COL9A3 (collagen type IX alpha 3 chain; plus strand). Cytogenetic location: 20q13.33.
Variant type: single nucleotide variant.
Coding change: c.1798G>T on transcript NM_001853.4 (MANE Select); coding-DNA position 1798, G replaced by T.
Protein change: p.Asp600Tyr; replaces aspartic acid 600 with tyrosine.
Molecular consequence: missense variant.
Genome position (GRCh38, 1-based): chr20:62,838,695, G>T. VCF-style: chr20-62838695-G-T. GRCh37 (hg19) VCF-style: chr20-61470047-G-T.
Other names: short protein forms D600Y.
Identifiers: ClinVar variation 1442484 (VCV001442484.6), dbSNP rs2063653170, ClinGen allele CA409600098.